The following is an entry in ClinVar:

ClinVar aggregate classification (germline): Conflicting classifications of pathogenicity. Review status: criteria provided, conflicting classifications (1 of 4 stars). 3 submissions from 3 submitters: Uncertain significance (1); Likely benign (2). Last evaluated 2026-02-01.

Conditions:
Wilson disease (WND). Also called: Wilson's disease. Identifiers: Orphanet 905, MedGen C0019202, MONDO:0010200, OMIM 277900. Disease mechanism: loss of function.

Allele frequency attached by ClinVar (database versions not stated): TOPMed 0.00001.
gnomAD v4.1: 13 of 1,613,970 alleles (0.00081%); highest among the groups gnomAD compares: Middle Eastern, 0.016%; no homozygotes.

Submissions (3):

CeGaT Center for Human Genetics Tuebingen
Classification: Likely benign. Last evaluated: 2026-02-01. Review status: criteria provided, single submitter. Criteria: CeGaT Center For Human Genetics Tuebingen Variant Classification Criteria Version 2. Collection method: clinical testing. Allele origin: germline. Affected: yes. Observed: 1 variant allele.
Comment: ATP7B: BP4, BP7

Color Diagnostics, LLC DBA Color Health
Classification: Uncertain significance for Wilson disease. Last evaluated: 2025-07-03. Review status: criteria provided, single submitter. Criteria: ACMG Guidelines, 2015. Collection method: clinical testing. Allele origin: germline.
Comment: This synonymous variant causes a C>T nucleotide change in exon 6 of the ATP7B gene. To our knowledge, functional studies have not been reported for this variant. This variant has not been reported in individuals affected with ATP7B-related disorders in the literature. This variant has been identified in 5/249584 chromosomes in the general population by the Genome Aggregation Database (gnomAD). The available evidence is insufficient to determine the role of this variant in disease conclusively. Therefore, this variant is classified as a Variant of Uncertain Significance.

Labcorp Genetics (formerly Invitae), Labcorp
Classification: Likely benign for Wilson disease. Last evaluated: 2024-07-30. Review status: criteria provided, single submitter. Criteria: Invitae Variant Classification Sherloc (09022015). Collection method: clinical testing. Allele origin: germline.

NM_000053.4(ATP7B):c.1911C>T (p.Asn637=)

Gene: ATP7B (ATPase copper transporting beta; minus strand). Cytogenetic location: 13q14.3.
Variant type: single nucleotide variant.
Coding change: c.1911C>T on transcript NM_000053.4 (MANE Select); coding-DNA position 1911, C replaced by T.
Protein change: p.Asn637=; no amino-acid change (asparagine 637 retained).
Molecular consequence: synonymous variant. On other transcripts: intron variant (2).
Genome position (GRCh38, 1-based): chr13:51,961,872, G>A on the plus strand (C>T on the coding strand, the complement: ATP7B is on the minus strand). VCF-style: chr13-51961872-G-A. GRCh37 (hg19) VCF-style: chr13-52536008-G-A.
Other names: c.1578C>T, p.Asn526= (NM_001243182.2); c.1911C>T, p.Asn637= (NM_001330578.2); c.1869+3000C>T (NM_001005918.3, NM_001330579.2).
Identifiers: ClinVar variation 526661 (VCV000526661.16), dbSNP rs770640457, ClinGen allele CA6989176.